The following is an entry in ClinVar:

ClinVar aggregate classification (germline): Uncertain significance (1 of 4 stars; one submission).

Conditions:
Developmental and epileptic encephalopathy, 25 (DEE25). Also called: Epileptic encephalopathy, early infantile, 25; Developmental and epileptic encephalopathy 25, with amelogenesis imperfecta; Epileptic encephalopathy, early infantile, 25, with amelogenesis imperfecta. Identifiers: Orphanet 442835, MedGen C4014621, MONDO:0014392, OMIM 615905.

Allele frequency attached by ClinVar (database versions not stated): gnomAD exomes below 0.00001; TOPMed below 0.00001.
gnomAD v4.1: 2 of 1,613,648 alleles (0.00012%); highest among the groups gnomAD compares: Non-Finnish European, 0.00017%; no homozygotes.

Submission:

Labcorp Genetics (formerly Invitae), Labcorp
Classification: Uncertain significance for Developmental and epileptic encephalopathy, 25. Last evaluated: 2022-01-04. Review status: criteria provided, single submitter. Criteria: Invitae Variant Classification Sherloc (09022015). Collection method: clinical testing. Allele origin: germline.
Comment: This variant is not present in population databases (gnomAD no frequency). In summary, the available evidence is currently insufficient to determine the role of this variant in disease. Therefore, it has been classified as a Variant of Uncertain Significance. Algorithms developed to predict the effect of missense changes on protein structure and function (SIFT, PolyPhen-2, Align-GVGD) all suggest that this variant is likely to be tolerated. This variant has not been reported in the literature in individuals affected with SLC13A5-related conditions. This sequence change replaces lysine, which is basic and polar, with glutamic acid, which is acidic and polar, at codon 376 of the SLC13A5 protein (p.Lys376Glu).

NM_177550.5(SLC13A5):c.1126A>G (p.Lys376Glu)

Gene: SLC13A5 (solute carrier family 13 member 5; minus strand). Cytogenetic location: 17p13.1.
Variant type: single nucleotide variant.
Coding change: c.1126A>G on transcript NM_177550.5 (MANE Select); coding-DNA position 1126, A replaced by G.
Protein change: p.Lys376Glu; replaces lysine 376 with glutamic acid.
Molecular consequence: missense variant.
Genome position (GRCh38, 1-based): chr17:6,694,127, T>C on the plus strand (A>G on the coding strand, the complement: SLC13A5 is on the minus strand). VCF-style: chr17-6694127-T-C. GRCh37 (hg19) VCF-style: chr17-6597446-T-C.
Other names: c.1126A>G, p.Lys376Glu (NM_001143838.3); c.1075A>G, p.Lys359Glu (NM_001284509.2); c.997A>G, p.Lys333Glu (NM_001284510.2); short protein forms K333E, K376E, K359E.
Identifiers: ClinVar variation 2170645 (VCV002170645.4), dbSNP rs1597661075, ClinGen allele CA397742506.
Genomic context (GRCh38, chr17:6,694,127, plus strand): 5'-ATGACTGGGCGATCAGAACAGGAGACTTACCTTCCTCAGTCTGGCTGCGGAAGTTAAACT[T>C]GGGCTTCTGTGAAGGCACAATGAATAGCAGGGTGGCCACAAAGATGGCCACAGTGGCATC-3'
Protein context (NP_808218.1, residues 366-386): LLFIVPSQKP[Lys376Glu]FNFRSQTEEE